The following is an entry in ClinVar:

ClinVar aggregate classification (germline): Uncertain significance (1 of 4 stars; one submission).

Conditions:
Rhabdoid tumor predisposition syndrome 2 (RTPS2). Identifiers: Orphanet 231108, Orphanet 69077, MedGen C2750074, MONDO:0013224, OMIM 613325.

gnomAD v4.1: 2 of 1,613,950 alleles (0.00012%); highest among the groups gnomAD compares: Admixed American, 0.0033%; no homozygotes.

Submission:

Labcorp Genetics (formerly Invitae), Labcorp
Classification: Uncertain significance for Rhabdoid tumor predisposition syndrome 2. Last evaluated: 2024-03-09. Review status: criteria provided, single submitter. Criteria: Invitae Variant Classification Sherloc (09022015). Collection method: clinical testing. Allele origin: germline.
Comment: This sequence change replaces glutamic acid, which is acidic and polar, with aspartic acid, which is acidic and polar, at codon 1606 of the SMARCA4 protein (p.Glu1606Asp). This variant is present in population databases (rs561034617, gnomAD 0.003%). This variant has not been reported in the literature in individuals affected with SMARCA4-related conditions. Advanced modeling of protein sequence and biophysical properties (such as structural, functional, and spatial information, amino acid conservation, physicochemical variation, residue mobility, and thermodynamic stability) performed at Invitae indicates that this missense variant is not expected to disrupt SMARCA4 protein function with a negative predictive value of 95%. In summary, the available evidence is currently insufficient to determine the role of this variant in disease. Therefore, it has been classified as a Variant of Uncertain Significance.

NM_003072.5(SMARCA4):c.4722G>C (p.Glu1574Asp)

Gene: SMARCA4 (SWI/SNF related BAF chromatin remodeling complex subunit ATPase 4; plus strand). Cytogenetic location: 19p13.2.
Variant type: single nucleotide variant.
Coding change: c.4722G>C on transcript NM_003072.5 (MANE Select); coding-DNA position 4722, G replaced by C.
Protein change: p.Glu1574Asp; replaces glutamic acid 1574 with aspartic acid.
Molecular consequence: missense variant. On other transcripts: non-coding transcript variant (1).
Genome position (GRCh38, 1-based): chr19:11,059,839, G>C. VCF-style: chr19-11059839-G-C. GRCh37 (hg19) VCF-style: chr19-11170515-G-C.
Other names: c.4722G>C, p.Glu1574Asp (NM_001128844.3); c.4632G>C, p.Glu1544Asp (NM_001128845.2); c.4629G>C, p.Glu1543Asp (NM_001128846.2); c.4623G>C, p.Glu1541Asp (NM_001128847.4, NM_001374457.1); c.4620G>C, p.Glu1540Asp (NM_001128848.2); c.4818G>C, p.Glu1606Asp (NM_001128849.3, NM_001387283.1); c.4719G>C, p.Glu1573Asp (NM_001411150.1); short protein forms E1573D, E1606D, E1540D, E1541D, E1544D, E1574D, E1543D.
Identifiers: ClinVar variation 3636890 (VCV003636890.2).